The following is an entry in ClinVar:

NM_138694.4(PKHD1):c.9598C>T (p.Leu3200Phe)

Gene: PKHD1 (PKHD1 ciliary IPT domain containing fibrocystin/polyductin; minus strand). Cytogenetic location: 6p12.3.
Variant type: single nucleotide variant.
Coding change: c.9598C>T on transcript NM_138694.4 (MANE Select); coding-DNA position 9598, C replaced by T.
Protein change: p.Leu3200Phe; replaces leucine 3200 with phenylalanine.
Molecular consequence: missense variant.
Genome position (GRCh38, 1-based): chr6:51,748,018, G>A on the plus strand (C>T on the coding strand, the complement: PKHD1 is on the minus strand). VCF-style: chr6-51748018-G-A. GRCh37 (hg19) VCF-style: chr6-51612816-G-A.
Other names: c.9598C>T (NM_138694.3); c.9598C>T, p.Leu3200Phe (NM_170724.3); short protein forms L3200F.
Identifiers: ClinVar variation 2899990 (VCV002899990.4), dbSNP rs531738824, ClinGen allele CA138896021.

ClinVar aggregate classification (germline): Uncertain significance. Review status: criteria provided, multiple submitters, no conflicts (2 of 4 stars). 2 submissions from 2 submitters: Uncertain significance (2). Last evaluated 2024-08-14.

Conditions:
Inborn genetic diseases. Identifiers: MedGen C0950123, MeSH D030342.
Autosomal recessive polycystic kidney disease (ARPKD). Also called: AR polycystic kidney disease. Identifiers: Orphanet 731, Orphanet 8378, MedGen C0085548, MeSH D017044, MONDO:0009889.

Allele frequency attached by ClinVar (database versions not stated): gnomAD 0.00001.
gnomAD v4.1: 2 of 1,614,070 alleles (0.00012%); highest among the groups gnomAD compares: East Asian, 0.0022%; no homozygotes.

Submissions (2):

Ambry Genetics
Classification: Uncertain significance for Inborn genetic diseases. Last evaluated: 2024-08-14. Review status: criteria provided, single submitter. Criteria: Ambry Variant Classification Scheme 2023. Collection method: clinical testing. Allele origin: germline.

Labcorp Genetics (formerly Invitae), Labcorp
Classification: Uncertain significance for Autosomal recessive polycystic kidney disease. Last evaluated: 2023-04-12. Review status: criteria provided, single submitter. Criteria: Invitae Variant Classification Sherloc (09022015). Collection method: clinical testing. Allele origin: germline.
Comment: In summary, the available evidence is currently insufficient to determine the role of this variant in disease. Therefore, it has been classified as a Variant of Uncertain Significance. Advanced modeling of protein sequence and biophysical properties (such as structural, functional, and spatial information, amino acid conservation, physicochemical variation, residue mobility, and thermodynamic stability) performed at Invitae indicates that this missense variant is not expected to disrupt PKHD1 protein function. This variant has not been reported in the literature in individuals affected with PKHD1-related conditions. This variant is not present in population databases (gnomAD no frequency). This sequence change replaces leucine, which is neutral and non-polar, with phenylalanine, which is neutral and non-polar, at codon 3200 of the PKHD1 protein (p.Leu3200Phe).